The following is an entry in ClinVar:

NM_000017.4(ACADS):c.1023C>A (p.Phe341Leu)

Gene: ACADS (acyl-CoA dehydrogenase short chain; plus strand). Cytogenetic location: 12q24.31.
Variant type: single nucleotide variant.
Coding change: c.1023C>A on transcript NM_000017.4 (MANE Select); coding-DNA position 1023, C replaced by A.
Protein change: p.Phe341Leu; replaces phenylalanine 341 with leucine.
Molecular consequence: missense variant.
Genome position (GRCh38, 1-based): chr12:120,738,909, C>A. VCF-style: chr12-120738909-C-A. GRCh37 (hg19) VCF-style: chr12-121176712-C-A.
Other names: c.1011C>A, p.Phe337Leu (NM_001302554.2); short protein forms F337L, F341L.
Identifiers: ClinVar variation 5017375 (VCV005017375.1).

ClinVar aggregate classification (germline): Uncertain significance (1 of 4 stars; one submission).

Submission:

GeneDx
Classification: Uncertain significance. Last evaluated: 2026-03-27. Review status: criteria provided, single submitter. Criteria: GeneDx Variant Classification Process June 2021. Collection method: clinical testing. Allele origin: germline.
Comment: Not observed at significant frequency in large population cohorts (gnomAD); In silico analysis supports that this missense variant has a deleterious effect on protein structure/function; Has not been previously published as pathogenic or benign to our knowledge